The following is an entry in ClinVar:

NM_001172303.3(MASTL):c.1654A>G (p.Ser552Gly)

Gene: MASTL (microtubule associated serine/threonine kinase like; plus strand). Cytogenetic location: 10p12.1.
Variant type: single nucleotide variant.
Coding change: c.1654A>G on transcript NM_001172303.3 (MANE Select); coding-DNA position 1654, A replaced by G.
Protein change: p.Ser552Gly; replaces serine 552 with glycine.
Molecular consequence: missense variant. On other transcripts: non-coding transcript variant (1).
Genome position (GRCh38, 1-based): chr10:27,170,613, A>G. VCF-style: chr10-27170613-A-G. GRCh37 (hg19) VCF-style: chr10-27459542-A-G.
Other names: p.Ser552Gly; c.1654A>G, p.Ser552Gly (NM_001172304.3, NM_001320756.2, NM_001320757.2 and 1 more transcripts); c.1171A>G, p.Ser391Gly (NM_001372029.1, NM_001372030.1); short protein forms S552G, S391G.
Identifiers: ClinVar variation 299795 (VCV000299795.6), dbSNP rs369253474, ClinGen allele CA5450257.
Genomic context (GRCh38, chr10:27,170,613, plus strand): 5'-CTTATGTGTGAACTCGATGAAGACTGTGAAAAGAATAGTAAGAGGGACTACTTAAGTTCT[A>G]GTTTTCTATGTTCTGATGATGATAGAGCTTCTAAAAATATTTCTATGAACTCTGATTCAT-3'
Protein context (NP_001165774.1, residues 542-562): KNSKRDYLSS[Ser552Gly]FLCSDDDRAS

ClinVar aggregate classification (germline): Conflicting classifications of pathogenicity. Review status: criteria provided, conflicting classifications (1 of 4 stars). 2 submissions from 2 submitters: Uncertain significance (1); Likely benign (1). Last evaluated 2025-03-18.

Conditions:
Thrombocytopenia. Identifiers: MedGen C0040034, MeSH D013921, MONDO:0002049, HP:0001873.

Allele frequency attached by ClinVar (database versions not stated): gnomAD exomes 0.00009 and 0.00022; TOPMed 0.00010; ExAC 0.00007; gnomAD 0.00014; ESP Exome Variant Server 0.00015.
gnomAD v4.1: 328 of 1,607,272 alleles (0.02%); highest among the groups gnomAD compares: Non-Finnish European, 0.027%; no homozygotes.

Submissions (2):

Mayo Clinic Laboratories, Mayo Clinic
Classification: Uncertain significance. Last evaluated: 2025-03-18. Review status: criteria provided, single submitter. Criteria: ACMG Guidelines, 2015. Collection method: clinical testing. Allele origin: germline. Observed: 2 variant alleles.
Comment: BP4_moderate

Illumina Laboratory Services, Illumina
Classification: Likely benign for Thrombocytopenia. Last evaluated: 2018-01-13. Review status: criteria provided, single submitter. Criteria: ICSL Variant Classification Criteria 13 December 2019. Collection method: clinical testing. Allele origin: germline.
Comment: This variant was observed in the ICSL laboratory as part of a predisposition screen in an ostensibly healthy population. It had not been previously curated by ICSL or reported in the Human Gene Mutation Database (HGMD: prior to June 1st, 2018), and was therefore a candidate for classification through an automated scoring system. Utilizing variant allele frequency, disease prevalence and penetrance estimates, and inheritance mode, an automated score was calculated to assess if this variant is too frequent to cause the disease. Based on the score and internal cut-off values, a variant classified as likely benign is not then subjected to further curation. The score for this variant resulted in a classification of likely benign for this disease.